The following is an entry in ClinVar:

ClinVar aggregate classification (germline): Uncertain significance (1 of 4 stars; one submission).

Conditions:
Arrhythmogenic cardiomyopathy with wooly hair and keratoderma. Also called: Dilated cardiomyopathy with woolly hair and keratoderma; PALMOPLANTAR KERATODERMA WITH LEFT VENTRICULAR CARDIOMYOPATHY AND WOOLLY HAIR; Carvajal syndrome; Arrhythmogenic cardiomyopathy with woolly hair and keratoderma. Identifiers: Orphanet 65282, MedGen C1854063, MONDO:0011581, OMIM 605676.
Arrhythmogenic right ventricular dysplasia 8 (ARVD8). Also called: Arrhythmogenic Right Ventricular Dysplasia/Cardiomyopathy 8; ARRHYTHMOGENIC RIGHT VENTRICULAR DYSPLASIA, FAMILIAL, 8; ARRHYTHMOGENIC RIGHT VENTRICULAR CARDIOMYOPATHY 8. Identifiers: MedGen C1843896, MONDO:0011831, OMIM 607450.

Submission:

Labcorp Genetics (formerly Invitae), Labcorp
Classification: Uncertain significance for Arrhythmogenic cardiomyopathy with wooly hair and keratoderma; Arrhythmogenic right ventricular dysplasia 8. Last evaluated: 2024-02-01. Review status: criteria provided, single submitter. Criteria: Invitae Variant Classification Sherloc (09022015). Collection method: clinical testing. Allele origin: germline.
Comment: This sequence change replaces histidine, which is basic and polar, with arginine, which is basic and polar, at codon 700 of the DSP protein (p.His700Arg). This variant is not present in population databases (gnomAD no frequency). This variant has not been reported in the literature in individuals affected with DSP-related conditions. An algorithm developed to predict the effect of missense changes on protein structure and function (PolyPhen-2) suggests that this variant is likely to be disruptive. In summary, the available evidence is currently insufficient to determine the role of this variant in disease. Therefore, it has been classified as a Variant of Uncertain Significance.

NM_004415.4(DSP):c.2099A>G (p.His700Arg)

Gene: DSP (desmoplakin; plus strand). Cytogenetic location: 6p24.3.
Variant type: single nucleotide variant.
Coding change: c.2099A>G on transcript NM_004415.4 (MANE Select); coding-DNA position 2099, A replaced by G.
Protein change: p.His700Arg; replaces histidine 700 with arginine.
Molecular consequence: missense variant.
Genome position (GRCh38, 1-based): chr6:7,572,037, A>G. VCF-style: chr6-7572037-A-G. GRCh37 (hg19) VCF-style: chr6-7572270-A-G.
Other names: c.2099A>G, p.His700Arg (NM_001008844.3, NM_001319034.2); short protein forms H700R.
Identifiers: ClinVar variation 3754333 (VCV003754333.2).